The following is an entry in ClinVar:

NM_022124.6(CDH23):c.1423G>A (p.Val475Met)

Gene: CDH23 (cadherin related 23; plus strand). Cytogenetic location: 10q22.1.
Variant type: single nucleotide variant.
Coding change: c.1423G>A on transcript NM_022124.6 (MANE Select); coding-DNA position 1423, G replaced by A.
Protein change: p.Val475Met; replaces valine 475 with methionine.
Molecular consequence: missense variant.
Genome position (GRCh38, 1-based): chr10:71,646,591, G>A. VCF-style: chr10-71646591-G-A. GRCh37 (hg19) VCF-style: chr10-73406348-G-A.
Other names: c.1423G>A, p.Val475Met (NM_001171930.2, NM_001171931.2, NM_052836.4); short protein forms V475M.
Identifiers: ClinVar variation 45867 (VCV000045867.34), dbSNP rs62622410, ClinGen allele CA137268.

ClinVar aggregate classification (germline): Benign/Likely benign. Review status: criteria provided, multiple submitters, no conflicts (2 of 4 stars). 10 submissions from 9 submitters: Benign (7); Likely benign (2). 1 of the submissions does not count toward it. Last evaluated 2026-04-01.

Conditions:
Usher syndrome type 1 (USH1). Also called: RETINITIS PIGMENTOSA AND CONGENITAL DEAFNESS. Identifiers: Orphanet 231169, Orphanet 886, MedGen C1568247, MONDO:0010168, OMIM 276900.
Autosomal recessive nonsyndromic hearing loss 12. Also called: DEAFNESS, AUTOSOMAL RECESSIVE 12. Identifiers: Orphanet 90636, MedGen C1832394, MONDO:0011067, OMIM 601386.
Usher syndrome type 1D (USH1D). Also called: USHER SYNDROME, TYPE ID. Identifiers: Orphanet 231169, Orphanet 886, MedGen C1832845, MONDO:0010984, OMIM 601067.

Allele frequency attached by ClinVar (database versions not stated): gnomAD 0.01173; TOPMed 0.01289; ESP Exome Variant Server 0.01387; 1000 Genomes Project 0.01438; 1000 Genomes Project 30x 0.01483.
gnomAD v4.1: 3,605 of 1,613,968 alleles (0.22%); highest among the groups gnomAD compares: African/African-American, 4%; 72 homozygotes.

Submissions (10):

CeGaT Center for Human Genetics Tuebingen
Classification: Benign. Last evaluated: 2026-04-01. Review status: criteria provided, single submitter. Criteria: CeGaT Center For Human Genetics Tuebingen Variant Classification Criteria Version 2. Collection method: clinical testing. Allele origin: germline. Affected: yes. Observed: 3 variant alleles.
Comment: CDH23: BP4, BS1, BS2

Labcorp Genetics (formerly Invitae), Labcorp
Classification: Benign. Last evaluated: 2026-01-31. Review status: criteria provided, single submitter. Criteria: Invitae Variant Classification Sherloc (09022015). Collection method: clinical testing. Allele origin: germline.

Women's Health and Genetics/Laboratory Corporation of America, LabCorp
Classification: Benign. Last evaluated: 2022-05-17. Review status: criteria provided, single submitter. Criteria: LabCorp Variant Classification Summary - May 2015. Collection method: clinical testing. Allele origin: germline.
Comment: Variant summary: CDH23 c.1423G>A (p.Val475Met) results in a conservative amino acid change in the encoded protein sequence. Four of five in-silico tools predict a benign effect of the variant on protein function. The variant allele was found at a frequency of 0.0032 in 249272 control chromosomes, predominantly at a frequency of 0.043 within the African or African-American subpopulation in the gnomAD database, including 17 homozygotes. The observed variant frequency within African or African-American control individuals in the gnomAD database is approximately 13 fold of the estimated maximal expected allele frequency for a pathogenic variant in CDH23 causing Usher Syndrome phenotype (0.0032), strongly suggesting that the variant is a benign polymorphism found primarily in populations of African or African-American origin. To our knowledge, no experimental evidence demonstrating its impact on protein function have been reported. Six ClinVar submitters (evaluation after 2014) cite the variant as benign (n=4) and likely benign (n=2). Based on the evidence outlined above, the variant was classified as benign.

GeneDx
Classification: Benign. Last evaluated: 2018-09-10. Review status: criteria provided, single submitter. Criteria: GeneDx Variant Classification Process June 2021. Collection method: clinical testing. Allele origin: germline. Affected: yes.
Comment: This variant is associated with the following publications: (PMID: 25262649, 22952768, 30245029)

Illumina Laboratory Services, Illumina
Classification: Likely benign for Autosomal recessive nonsyndromic hearing loss 12. Last evaluated: 2017-04-27. Review status: criteria provided, single submitter. Criteria: ICSL Variant Classification Criteria 13 December 2019. Collection method: clinical testing. Allele origin: germline.
Comment: This variant was observed as part of a predisposition screen in an ostensibly healthy population. A literature search was performed for the gene, cDNA change, and amino acid change (where applicable). No publications were found based on this search. Allele frequency data from public databases allowed determination this variant is unlikely to cause disease. Therefore, this variant is classified as likely benign.

Illumina Laboratory Services, Illumina
Classification: Benign for Usher syndrome type 1D. Last evaluated: 2017-04-27. Review status: criteria provided, single submitter. Criteria: ICSL Variant Classification Criteria 13 December 2019. Collection method: clinical testing. Allele origin: germline.
Comment: This variant was observed as part of a predisposition screen in an ostensibly healthy population. A literature search was performed for the gene, cDNA change, and amino acid change (where applicable). No publications were found based on this search. Allele frequency data from public databases was too high to be consistent with this variant causing disease. Therefore, this variant is classified as benign.

Eurofins Ntd Llc (ga)
Classification: Benign. Last evaluated: 2015-03-05. Review status: criteria provided, single submitter. Criteria: EGL Classification Definitions 2015. Collection method: clinical testing. Allele origin: germline. Observed: 1 variant allele, 1 heterozygote.

Laboratory for Molecular Medicine, Mass General Brigham Personalized Medicine
Classification: Benign. Last evaluated: 2013-09-08. Review status: criteria provided, single submitter. Criteria: LMM Criteria. Collection method: clinical testing. Allele origin: germline. Observed: 19 variant alleles.
Comment: Val475Met in Exon 14A of CDH23: This variant is not expected to have clinical si gnificance because it has been identified in 4.1% (173/4270) of African American chromosomes from a broad population by the NHLBI Exome Sequencing Project (dbSNP rs62622410).

Breakthrough Genomics
Classification: Likely benign. Review status: criteria provided, single submitter. Criteria: ACMG Guidelines, 2015. Collection method: not provided. Allele origin: germline. Inheritance: Autosomal recessive inheritance. Affected: yes.

Natera, Inc.
Classification: Likely benign for Usher syndrome type 1. Last evaluated: 2019-11-12. Review status: no assertion criteria provided. Collection method: clinical testing. Allele origin: germline. Not counted in ClinVar's aggregate classification.

Literature cited by the submitters: PubMed 25262649 (cited by Eurofins Ntd Llc (ga)).